The following is an entry in ClinVar:

NM_201384.3(PLEC):c.8481C>T (p.Asp2827=)

Gene: PLEC (plectin; minus strand). Cytogenetic location: 8q24.3.
Variant type: single nucleotide variant.
Coding change: c.8481C>T on transcript NM_201384.3 (MANE Select); coding-DNA position 8481, C replaced by T.
Protein change: p.Asp2827=; no amino-acid change (aspartic acid 2827 retained).
Molecular consequence: synonymous variant.
Genome position (GRCh38, 1-based): chr8:143,921,340, G>A on the plus strand (C>T on the coding strand, the complement: PLEC is on the minus strand). VCF-style: chr8-143921340-G-A. GRCh37 (hg19) VCF-style: chr8-144995508-G-A.
Other names: c.8562C>T, p.Asp2854= (NM_000445.5); c.8439C>T, p.Asp2813= (NM_201378.4); c.8415C>T, p.Asp2805= (NM_201379.3); c.8892C>T, p.Asp2964= (NM_201380.4); c.8385C>T, p.Asp2795= (NM_201381.3); c.8481C>T, p.Asp2827= (NM_201382.4); c.8493C>T, p.Asp2831= (NM_201383.3).
Identifiers: ClinVar variation 389699 (VCV000389699.13), dbSNP rs377660488, ClinGen allele CA4925294.

ClinVar aggregate classification (germline): Conflicting classifications of pathogenicity. Review status: criteria provided, conflicting classifications (1 of 4 stars). 4 submissions from 4 submitters: Uncertain significance (1); Likely benign (3). Last evaluated 2025-10-03.

Conditions:
Epidermolysis bullosa simplex with nail dystrophy (EBS5D). Identifiers: MedGen C4225309, MONDO:0014661, OMIM 616487.
Epidermolysis bullosa simplex 5B, with muscular dystrophy (EBS5B). Also called: EPIDERMOLYSIS BULLOSA SIMPLEX AND LIMB-GIRDLE MUSCULAR DYSTROPHY; Epidermolysis bullosa simplex with muscular dystrophy. Identifiers: Orphanet 257, MedGen C2931072, MONDO:0009181, OMIM 226670.
Epidermolysis bullosa simplex, Ogna type (EBS5A). Also called: Pidermolysis bullosa simplex 5A, Ogna type; EPIDERMOLYSIS BULLOSA SIMPLEX 5A, OGNA TYPE. Identifiers: Orphanet 79401, MedGen C0432317, MONDO:0007555, OMIM 131950.
Autosomal recessive limb-girdle muscular dystrophy type 2Q (LGMDR17). Also called: MUSCULAR DYSTROPHY, LIMB-GIRDLE, AUTOSOMAL RECESSIVE 17. Identifiers: Orphanet 254361, MedGen C3150989, MONDO:0013390, OMIM 613723.
Epidermolysis bullosa simplex 5C, with pyloric atresia (EBS5C). Also called: PLEC-Related Epidermolysis Bullosa with Pyloric Atresia; Epidermolysis bullosa simplex with pyloric atresia; PLEC1-Related Epidermolysis Bullosa with Pyloric Atresia. Identifiers: Orphanet 158684, MedGen C2677349, MONDO:0012807, OMIM 612138.

Allele frequency attached by ClinVar (database versions not stated): gnomAD exomes 0.00004 and 0.00011; gnomAD 0.00007; TOPMed 0.00012; ExAC 0.00013; ESP Exome Variant Server 0.00016.
gnomAD v4.1: 80 of 1,613,642 alleles (0.005%); highest among the groups gnomAD compares: Admixed American, 0.04%; no homozygotes.

Submissions (4):

Labcorp Genetics (formerly Invitae), Labcorp
Classification: Likely benign for Autosomal recessive limb-girdle muscular dystrophy type 2Q; Epidermolysis bullosa simplex, Ogna type; Epidermolysis bullosa simplex with nail dystrophy; Epidermolysis bullosa simplex 5C, with pyloric atresia; Epidermolysis bullosa simplex 5B, with muscular dystrophy. Last evaluated: 2025-10-03. Review status: criteria provided, single submitter. Criteria: Invitae Variant Classification Sherloc (09022015). Collection method: clinical testing. Allele origin: germline.

Laboratory of Genetics, Children's Clinical University Hospital Latvia
Classification: Likely benign. Last evaluated: 2025-02-16. Review status: criteria provided, single submitter. Criteria: ACMG Guidelines, 2015. Collection method: clinical testing. Allele origin: germline. Affected: yes.

Eurofins Ntd Llc (ga)
Classification: Uncertain significance. Last evaluated: 2018-01-12. Review status: criteria provided, single submitter. Criteria: EGL Classification Definitions 2015. Collection method: clinical testing. Allele origin: germline. Observed: 2 variant alleles, 2 heterozygotes.

GeneDx
Classification: Likely benign. Last evaluated: 2016-10-21. Review status: criteria provided, single submitter. Criteria: GeneDx Variant Classification (06012015). Collection method: clinical testing. Allele origin: germline. Affected: yes.
Comment: This variant is considered likely benign or benign based on one or more of the following criteria: it is a conservative change, it occurs at a poorly conserved position in the protein, it is predicted to be benign by multiple in silico algorithms, and/or has population frequency not consistent with disease.